The following is an entry in ClinVar:

ClinVar aggregate classification (germline): Benign (1 of 4 stars; one submission).

Conditions:
Familial cancer of breast. Also called: BREAST CANCER, FAMILIAL; Hereditary breast cancer; hereditary breast carcinoma. Identifiers: Orphanet 227535, MedGen C0346153, MONDO:0016419, OMIM 114480. Disease mechanism: loss of function.

Submission:

Myriad Genetics, Inc.
Classification: Benign for Familial cancer of breast. Last evaluated: 2024-05-07. Review status: criteria provided, single submitter. Criteria: Myriad Autosomal Dominant, Autosomal Recessive and X-Linked Classification Criteria (2023). Collection method: clinical testing. Allele origin: unknown.
Comment: This variant is considered benign. This variant is intronic and is not expected to impact mRNA splicing.

NM_000051.4(ATM):c.2125-20dup

Gene: ATM (ATM serine/threonine kinase; plus strand). Cytogenetic location: 11q22.3.
Variant type: Duplication.
Coding change: c.2125-20dup on transcript NM_000051.4 (MANE Select); 20 bases into the intron before coding-DNA position 2125, one base duplicated (T; older notation c.2125-20dupT).
Molecular consequence: intron variant.
Genome position (GRCh38, 1-based): chr11:108,256,195, T duplicated; the last of 5 consecutive T bases (chr11:108,256,191-108,256,195); duplicating any one gives the same sequence. VCF-style (leftmost placement, unchanged base first): chr11-108256190-A-AT. GRCh37 (hg19) VCF-style: chr11-108126917-A-AT.
Other names: c.2125-20dup (NM_001351834.2).
Identifiers: ClinVar variation 3254215 (VCV003254215.1), dbSNP rs1565394335.